The following is an entry in ClinVar:

ClinVar aggregate classification (germline): Conflicting classifications of pathogenicity. Review status: criteria provided, conflicting classifications (1 of 4 stars). 2 submissions from 2 submitters: Uncertain significance (1); Benign (1). Last evaluated 2024-04-27.

Allele frequency attached by ClinVar (database versions not stated): gnomAD exomes 0.00001 and 0.00002.
gnomAD v4.1: 18 of 1,211,600 alleles (0.0015%); highest among the groups gnomAD compares: Non-Finnish European, 0.002%; no homozygotes.

Submissions (2):

Labcorp Genetics (formerly Invitae), Labcorp
Classification: Benign. Last evaluated: 2024-04-27. Review status: criteria provided, single submitter. Criteria: Invitae Variant Classification Sherloc (09022015). Collection method: clinical testing. Allele origin: germline.

GeneDx
Classification: Uncertain significance. Last evaluated: 2019-12-27. Review status: criteria provided, single submitter. Criteria: GeneDx Variant Classification Process June 2021. Collection method: clinical testing. Allele origin: germline. Affected: yes.
Comment: In silico analysis, which includes protein predictors and evolutionary conservation, supports a deleterious effect; Has not been previously published as pathogenic or benign to our knowledge

NM_001008537.3(NEXMIF):c.3371A>T (p.Gln1124Leu)

Gene: NEXMIF (neurite extension and migration factor; minus strand). Cytogenetic location: Xq13.3.
Variant type: single nucleotide variant.
Coding change: c.3371A>T on transcript NM_001008537.3 (MANE Select); coding-DNA position 3371, A replaced by T.
Protein change: p.Gln1124Leu; replaces glutamine 1124 with leucine.
Molecular consequence: missense variant.
Genome position (GRCh38, 1-based): chrX:74,741,186, T>A on the plus strand (A>T on the coding strand, the complement: NEXMIF is on the minus strand). VCF-style: chrX-74741186-T-A. GRCh37 (hg19) VCF-style: chrX-73961021-T-A.
Other names: short protein forms Q1124L.
Identifiers: ClinVar variation 1311326 (VCV001311326.9), dbSNP rs992677972, ClinGen allele CA331301722.
Genomic context (GRCh38, chrX:74,741,186, plus strand): 5'-TCATCATTGAACATATGGAACTGAAACTGGTGATTATTTAAAGTAAATCCATCCTCCATT[T>A]GGACCTGCCGTGAAAGGGTACTGCAGTCCCACTTGATTTTTTCCACACTGTCCAATGGTC-3'
Protein context (NP_001008537.1, residues 1114-1134): WDCSTLSRQV[Gln1124Leu]MEDGFTLNNH